The following is an entry in ClinVar:

NM_000059.4(BRCA2):c.6442T>C (p.Ser2148Pro)

Gene: BRCA2 (BRCA2 DNA repair associated; plus strand). Cytogenetic location: 13q13.1.
Variant type: single nucleotide variant.
Coding change: c.6442T>C on transcript NM_000059.4 (MANE Select); coding-DNA position 6442, T replaced by C.
Protein change: p.Ser2148Pro; replaces serine 2148 with proline.
Molecular consequence: missense variant. On other transcripts: non-coding transcript variant (1), intron variant (2).
Genome position (GRCh38, 1-based): chr13:32,340,797, T>C. VCF-style: chr13-32340797-T-C. GRCh37 (hg19) VCF-style: chr13-32914934-T-C.
Other names: c.6442T>C, p.Ser2148Pro (NM_001406719.1, NM_001406720.1, NM_001432077.1); c.1910-3761T>C (NM_001406721.1); c.425-3761T>C (NM_001406722.1); short protein forms S2148P.
Identifiers: ClinVar variation 4856600 (VCV004856600.1).

ClinVar aggregate classification (germline): Likely benign (1 of 4 stars; one submission).

Conditions:
Breast-ovarian cancer, familial, susceptibility to, 2 (BROVCA2). Also called: BRCA2 Hereditary Breast and Ovarian Cancer. Identifiers: Orphanet 145, MedGen C2675520, MONDO:0012933, OMIM 612555. Disease mechanism: loss of function.

gnomAD v4.1: 1 of 1,591,058 alleles (0.000063%); highest among the groups gnomAD compares: South Asian, 0.0012%; no homozygotes.

Submission:

Cancer Bioinformatics and Tumour Evolution Laboratory, Monash University
Classification: Likely benign for Breast-ovarian cancer, familial, susceptibility to, 2. Last evaluated: 2026-05-01. Review status: criteria provided, single submitter. Criteria: ClinGen BRCA1 and BRCA2 Guidelines, 2024. Collection method: curation. Allele origin: germline. Inheritance: Autosomal dominant inheritance.
Comment: Missense variant outside of a functional domain with no splice impact. BRCA1 and BRCA2 VCEP guidelines recommend application of BP1_Strong (PMID: 39142283)